The following is an entry in ClinVar:

NM_144997.7(FLCN):c.871+15C>G

Gene: FLCN (folliculin; minus strand). Cytogenetic location: 17p11.2.
Variant type: single nucleotide variant.
Coding change: c.871+15C>G on transcript NM_144997.7 (MANE Select); 15 bases into the intron after coding-DNA position 871, C replaced by G.
Molecular consequence: intron variant. On other transcripts: missense variant (1).
Genome position (GRCh38, 1-based): chr17:17,221,522, G>C on the plus strand (C>G on the coding strand, the complement: FLCN is on the minus strand). VCF-style: chr17-17221522-G-C. GRCh37 (hg19) VCF-style: chr17-17124836-G-C.
Other names: c.886C>G, p.Leu296Val (NM_144606.7); c.871+15C>G (NM_001353231.2, NM_001353230.2); c.925+15C>G (NM_001353229.2); short protein forms L296V.
Identifiers: ClinVar variation 5021830 (VCV005021830.1).

ClinVar aggregate classification (germline): Uncertain significance (1 of 4 stars; one submission).

Conditions:
Hereditary cancer-predisposing syndrome. Also called: Neoplastic Syndromes, Hereditary; Tumor predisposition; Hereditary neoplastic syndrome; Hereditary Cancer Syndrome. Identifiers: Orphanet 140162, MedGen C0027672, MeSH D009386, MONDO:0015356.

Submission:

Ambry Genetics
Classification: Uncertain significance for Hereditary cancer-predisposing syndrome. Last evaluated: 2026-07-02. Review status: criteria provided, single submitter. Criteria: Ambry Variant Classification Scheme 2023. Collection method: clinical testing. Allele origin: germline.
Comment: The p.L296V variant (also known as c.886C>G), located in coding exon 5 of the FLCN gene, results from a C to G substitution at nucleotide position 886. The leucine at codon 296 is replaced by valine, an amino acid with highly similar properties. This amino acid position is conserved. In addition, this alteration is predicted to be tolerated by in silico analysis. Based on the available evidence, the clinical significance of this variant remains unclear.